The following is an entry in ClinVar:

ClinVar aggregate classification (germline): Uncertain significance. Review status: criteria provided, multiple submitters, no conflicts (2 of 4 stars). 2 submissions from 2 submitters: Uncertain significance (2). Last evaluated 2026-07-06.

Conditions:
Hereditary cancer-predisposing syndrome. Also called: Tumor predisposition; Hereditary Cancer Syndrome; Hereditary neoplastic syndrome; Neoplastic Syndromes, Hereditary. Identifiers: Orphanet 140162, MedGen C0027672, MeSH D009386, MONDO:0015356.
Microcephaly, normal intelligence and immunodeficiency (NBS). Also called: SEEMANOVA SYNDROME II; Nijmegen breakage syndrome; Microcephaly with normal intelligence immunodeficiency and lymphoreticular malignancies; Nonsyndromal microcephaly autosomal recessive with normal intelligence; Seemanova syndrome 2; BERLIN BREAKAGE SYNDROME. Identifiers: Orphanet 647, MedGen C0398791, MONDO:0009623, OMIM 251260.

Submissions (2):

Ambry Genetics
Classification: Uncertain significance for Hereditary cancer-predisposing syndrome. Last evaluated: 2026-07-06. Review status: criteria provided, single submitter. Criteria: Ambry Variant Classification Scheme 2023. Collection method: clinical testing. Allele origin: germline.
Comment: The p.I108L variant (also known as c.322A>C), located in coding exon 4 of the NBN gene, results from an A to C substitution at nucleotide position 322. The isoleucine at codon 108 is replaced by leucine, an amino acid with highly similar properties. This amino acid position is conserved. In addition, this alteration is predicted to be tolerated by in silico analysis. Based on the available evidence, the clinical significance of this variant remains unclear.

Labcorp Genetics (formerly Invitae), Labcorp
Classification: Uncertain significance for Microcephaly, normal intelligence and immunodeficiency. Last evaluated: 2022-10-05. Review status: criteria provided, single submitter. Criteria: Invitae Variant Classification Sherloc (09022015). Collection method: clinical testing. Allele origin: germline.
Comment: This sequence change replaces isoleucine, which is neutral and non-polar, with leucine, which is neutral and non-polar, at codon 108 of the NBN protein (p.Ile108Leu). This variant is not present in population databases (gnomAD no frequency). This variant has not been reported in the literature in individuals affected with NBN-related conditions. ClinVar contains an entry for this variant (Variation ID: 1051801). Algorithms developed to predict the effect of missense changes on protein structure and function (SIFT, PolyPhen-2, Align-GVGD) all suggest that this variant is likely to be tolerated. In summary, the available evidence is currently insufficient to determine the role of this variant in disease. Therefore, it has been classified as a Variant of Uncertain Significance.

NM_002485.5(NBN):c.322A>C (p.Ile108Leu)

Gene: NBN (nibrin; minus strand). Cytogenetic location: 8q21.3.
Variant type: single nucleotide variant.
Coding change: c.322A>C on transcript NM_002485.5 (MANE Select); coding-DNA position 322, A replaced by C.
Protein change: p.Ile108Leu; replaces isoleucine 108 with leucine.
Molecular consequence: missense variant.
Genome position (GRCh38, 1-based): chr8:89,980,892, T>G on the plus strand (A>C on the coding strand, the complement: NBN is on the minus strand). VCF-style: chr8-89980892-T-G. GRCh37 (hg19) VCF-style: chr8-90993120-T-G.
Other names: c.76A>C, p.Ile26Leu (NM_001024688.3); c.322A>C (NM_002485.4); short protein forms I108L, I26L.
Identifiers: ClinVar variation 1051801 (VCV001051801.7), dbSNP rs1286492027, ClinGen allele CA371662168.